The following is an entry in ClinVar:

ClinVar aggregate classification (germline): Benign (1 of 4 stars; one submission).

Conditions:
X-linked lymphoproliferative disease due to XIAP deficiency. Also called: XIAP DEFICIENCY; XIAP-Related Lymphoproliferative Disease, X-Linked. Identifiers: Orphanet 2442, Orphanet 538934, MedGen C1845076, MONDO:0010385, OMIM 300635.

Allele frequency attached by ClinVar (database versions not stated): gnomAD 0.00005 and 0.00009; gnomAD exomes 0.00009 and 0.00018; TOPMed 0.00011; 1000 Genomes Project 30x 0.00042; 1000 Genomes Project 0.00053.
gnomAD v4.1: 29 of 318,336 alleles (0.0091%); highest among the groups gnomAD compares: East Asian, 0.28%; no homozygotes.

Submission:

Illumina Laboratory Services, Illumina
Classification: Benign for X-linked lymphoproliferative disease due to XIAP deficiency. Last evaluated: 2018-01-12. Review status: criteria provided, single submitter. Criteria: ICSL Variant Classification Criteria 13 December 2019. Collection method: clinical testing. Allele origin: germline.
Comment: This variant was observed in the ICSL laboratory as part of a predisposition screen in an ostensibly healthy population. It had not been previously curated by ICSL or reported in the Human Gene Mutation Database (HGMD: prior to June 1st, 2018), and was therefore a candidate for classification through an automated scoring system. Utilizing variant allele frequency, disease prevalence and penetrance estimates, and inheritance mode, an automated score was calculated to assess if this variant is too frequent to cause the disease. Based on the score and internal cut-off values, a variant classified as benign is not then subjected to further curation. The score for this variant resulted in a classification of benign for this disease.

NM_001167.4(XIAP):c.*5870G>T

Gene: XIAP (X-linked inhibitor of apoptosis; plus strand). Cytogenetic location: Xq25.
Variant type: single nucleotide variant.
Coding change: c.*5870G>T on transcript NM_001167.4 (MANE Select); 5870 bases downstream of the stop codon, G replaced by T.
Molecular consequence: 3 prime UTR variant. On other transcripts: non-coding transcript variant (2).
Genome position (GRCh38, 1-based): chrX:123,913,051, G>T. VCF-style: chrX-123913051-G-T. GRCh37 (hg19) VCF-style: chrX-123046901-G-T.
Other names: c.*5870G>T (NM_001204401.2, NM_001378590.1, NM_001378591.1 and 1 more transcripts).
Identifiers: ClinVar variation 913154 (VCV000913154.4), dbSNP rs187282700, ClinGen allele CA335090662.
Genomic context (GRCh38, chrX:123,913,051, plus strand): 5'-GGCTGGTCTCGAACTCCTGATCTCAGGTGATCTGCCTGCCTCGGCCTCACAAAGTGCTGG[G>T]ATTACAGGTGTGAACCACTGCTCCCGGCCTTGTGTGATTTTATCTAAGGGACTTAAGCGT-3'